The following is an entry in ClinVar:

ClinVar aggregate classification (germline): Benign (0 of 4 stars; one submission).

Conditions:
BSG-related disorder. Also called: BSG-related condition.

Allele frequency attached by ClinVar (database versions not stated): 1000 Genomes Project 30x 0.00984; 1000 Genomes Project 0.01138; gnomAD 0.02309; TOPMed 0.02356; ExAC 0.02515; ESP Exome Variant Server 0.02715.
gnomAD v4.1: 38,476 of 1,592,250 alleles (2.4%); highest among the groups gnomAD compares: Middle Eastern, 3.4%; 847 homozygotes.

Submission:

PreventionGenetics, part of Exact Sciences
Classification: Benign for BSG-related condition. Last evaluated: 2019-02-28. Review status: no assertion criteria provided. Collection method: clinical testing. Allele origin: germline.
Comment: This variant is classified as benign based on ACMG/AMP sequence variant interpretation guidelines (Richards et al. 2015 PMID: 25741868, with internal and published modifications).

NM_001728.4(BSG):c.720G>A (p.Leu240=)

Gene: BSG (basigin (Ok blood group); plus strand). Cytogenetic location: 19p13.3.
Variant type: single nucleotide variant.
Coding change: c.720G>A on transcript NM_001728.4 (MANE Select); coding-DNA position 720, G replaced by A.
Protein change: p.Leu240=; no amino-acid change (leucine 240 retained).
Molecular consequence: synonymous variant.
Genome position (GRCh38, 1-based): chr19:580,710, G>A. VCF-style: chr19-580710-G-A. GRCh37 (hg19) VCF-style: chr19-580710-G-A.
Other names: c.372G>A, p.Leu124= (NM_001322243.2, NM_198589.3); c.93G>A, p.Leu31= (NM_198590.3, NM_198591.4).
Identifiers: ClinVar variation 3037529 (VCV003037529.2), dbSNP rs1803535, ClinGen allele CA9017919.